The following is an entry in ClinVar:

NM_032043.3(BRIP1):c.141C>T (p.Pro47=)

Gene: BRIP1 (BRCA1 interacting DNA helicase 1; minus strand). Cytogenetic location: 17q23.2.
Variant type: single nucleotide variant.
Coding change: c.141C>T on transcript NM_032043.3 (MANE Select); coding-DNA position 141, C replaced by T.
Protein change: p.Pro47=; no amino-acid change (proline 47 retained).
Molecular consequence: synonymous variant.
Genome position (GRCh38, 1-based): chr17:61,859,860, G>A on the plus strand (C>T on the coding strand, the complement: BRIP1 is on the minus strand). VCF-style: chr17-61859860-G-A. GRCh37 (hg19) VCF-style: chr17-59937221-G-A.
Identifiers: ClinVar variation 2032308 (VCV002032308.6), dbSNP rs2145851606, ClinGen allele CA501151695.
Genomic context (GRCh38, chr17:61,859,860, plus strand): 5'-AAGAGATTGTTGCCATGCTAAAGCAGAACAAAGTAAGGCTAAGCTTTTTCCACTTCCTGT[G>A]GGACTCTCCAACAAACAATGTTGCTTGCTGTTTAATCCTCTGAGAATCTATGAACACAGA-3'
Protein context (NP_114432.2, residues 37-57): NSKQHCLLES[Pro47=]TGSGKSLALL

ClinVar aggregate classification (germline): Benign/Likely benign. Review status: criteria provided, multiple submitters, no conflicts (2 of 4 stars). 3 submissions from 3 submitters: Benign (1); Likely benign (2). Last evaluated 2026-07-05.

Conditions:
Fanconi anemia complementation group J. Also called: BRIP1-Related Fanconi Anemia. Identifiers: Orphanet 84, MedGen C1836860, MONDO:0012187, OMIM 609054.
Familial cancer of breast. Also called: Hereditary breast cancer; BREAST CANCER, FAMILIAL; hereditary breast carcinoma. Identifiers: Orphanet 227535, MedGen C0346153, MONDO:0016419, OMIM 114480. Disease mechanism: loss of function.
Hereditary cancer-predisposing syndrome. Also called: Hereditary neoplastic syndrome; Neoplastic Syndromes, Hereditary; Tumor predisposition; Hereditary Cancer Syndrome. Identifiers: Orphanet 140162, MedGen C0027672, MeSH D009386, MONDO:0015356.

Allele frequency attached by ClinVar (database versions not stated): gnomAD exomes below 0.00001.
gnomAD v4.1: 2 of 1,613,866 alleles (0.00012%); highest among the groups gnomAD compares: Non-Finnish European, 0.00017%; no homozygotes.

Submissions (3):

Ambry Genetics
Classification: Likely benign for Hereditary cancer-predisposing syndrome. Last evaluated: 2026-07-05. Review status: criteria provided, single submitter. Criteria: Ambry Variant Classification Scheme 2023. Collection method: clinical testing. Allele origin: germline.

Labcorp Genetics (formerly Invitae), Labcorp
Classification: Likely benign for Familial cancer of breast; Fanconi anemia complementation group J. Last evaluated: 2025-04-17. Review status: criteria provided, single submitter. Criteria: Invitae Variant Classification Sherloc (09022015). Collection method: clinical testing. Allele origin: germline.

Myriad Genetics, Inc.
Classification: Benign for Familial cancer of breast. Last evaluated: 2024-08-09. Review status: criteria provided, single submitter. Criteria: Myriad Autosomal Dominant, Autosomal Recessive and X-Linked Classification Criteria (2023). Collection method: clinical testing. Allele origin: unknown.
Comment: This variant is considered benign. This variant is a silent/synonymous amino acid change and it is not expected to impact splicing.